The following is an entry in ClinVar:

NM_002253.4(KDR):c.3441C>G (p.Pro1147=)

Gene: KDR (kinase insert domain receptor; minus strand). Cytogenetic location: 4q12.
Variant type: single nucleotide variant.
Coding change: c.3441C>G on transcript NM_002253.4 (MANE Select); coding-DNA position 3441, C replaced by G.
Protein change: p.Pro1147=; no amino-acid change (proline 1147 retained).
Molecular consequence: synonymous variant.
Genome position (GRCh38, 1-based): chr4:55,088,937, G>C on the plus strand (C>G on the coding strand, the complement: KDR is on the minus strand). VCF-style: chr4-55088937-G-C. GRCh37 (hg19) VCF-style: chr4-55955104-G-C.
Other names: KT253190.
Identifiers: ClinVar variation 204336 (VCV000204336.3), dbSNP rs795939487, ClinGen allele CA251266.

ClinVar aggregate classification (germline): Uncertain significance (0 of 4 stars; one submission).

Conditions:
Carcinoma of colon (CRC). Also called: Colonic carcinoma; Colon carcinoma. Identifiers: MedGen C0699790, MONDO:0002032.

Submission:

Immunobiology Lab; University of Kashmir
Classification: Uncertain significance for Carcinoma of colon. Last evaluated: 2015-01-24. Review status: no assertion criteria provided. Collection method: case-control. Allele origin: somatic. Affected: yes. Study: Mutational Hotspot profiling of Tyrosine Kinase domain of VEGF receptors in Human colorectal tumors.
Comment: The variation(s) were confirmed by double pass sequencing of PCR products amplified from genomic DNA of colonic lesions fron colorectal patients